The following is an entry in ClinVar:

NC_000016.9:g.(?_23193865)_(23652612_?)del

Genes: SCNN1G (sodium channel epithelial 1 subunit gamma; plus strand), GGA2 (golgi associated, gamma adaptin ear containing, ARF binding protein 2; minus strand), SCNN1B (sodium channel epithelial 1 subunit beta; plus strand), UBFD1 (ubiquitin family domain containing 1; plus strand), COG7 (component of oligomeric golgi complex 7; minus strand) and 3 more. Cytogenetic location: 16p12.2.
Variant type: Deletion.
Identifiers: ClinVar variation 2427432 (VCV002427432.3).

ClinVar aggregate classification (germline): Uncertain significance (1 of 4 stars; one submission).

Conditions:
COG7 congenital disorder of glycosylation (CDG2E). Also called: CONGENITAL DISORDER OF GLYCOSYLATION, TYPE IIe; CDG IIe. Identifiers: Orphanet 79333, MedGen C2931010, MONDO:0012118, OMIM 608779.

Submission:

Labcorp Genetics (formerly Invitae), Labcorp
Classification: Uncertain significance for COG7 congenital disorder of glycosylation. Last evaluated: 2022-04-21. Review status: criteria provided, single submitter. Criteria: Invitae Variant Classification Sherloc (09022015). Collection method: clinical testing. Allele origin: germline.
Comment: A gross deletion of the genomic region encompassing the full coding sequence of the COG7 gene has been identified. The current clinical and genetic evidence is not sufficient to establish whether loss-of-function variants in COG7 cause disease. The boundaries of this event are unknown as they extend beyond the assayed region for this gene and therefore may encompass additional genes. This variant has not been reported in the literature in individuals affected with COG7-related conditions. In summary, the available evidence is currently insufficient to determine the role of this variant in disease. Therefore, it has been classified as a Variant of Uncertain Significance.